The following is an entry in ClinVar:

NM_000379.4(XDH):c.*193G>A

Gene: XDH (xanthine dehydrogenase; minus strand). Cytogenetic location: 2p23.1.
Variant type: single nucleotide variant.
Coding change: c.*193G>A on transcript NM_000379.4 (MANE Select); 193 bases downstream of the stop codon, G replaced by A.
Molecular consequence: 3 prime UTR variant.
Genome position (GRCh38, 1-based): chr2:31,335,765, C>T on the plus strand (G>A on the coding strand, the complement: XDH is on the minus strand). VCF-style: chr2-31335765-C-T. GRCh37 (hg19) VCF-style: chr2-31558631-C-T.
Identifiers: ClinVar variation 896854 (VCV000896854.4), dbSNP rs147693897, ClinGen allele CA44710951.
Genomic context (GRCh38, chr2:31,335,765, plus strand): 5'-ACAGACAGAAAATGATCCTAATTGCATATTCACCATTTAGGCATAACAGTTTTGAATTTG[C>T]TTATCATTGTGTTTACAAATTACATTTTTGATCAAAATCTTCCATTGCATTCACTTGTCT-3'

ClinVar aggregate classification (germline): Likely benign (1 of 4 stars; one submission).

Conditions:
Hereditary xanthinuria type 1 (XAN1). Identifiers: Orphanet 3467, Orphanet 93601, MedGen C0268118, MONDO:0010209, OMIM 278300.

Allele frequency attached by ClinVar (database versions not stated): TOPMed 0.00017; 1000 Genomes Project 30x 0.00265; 1000 Genomes Project 0.00280.
gnomAD v4.1: 84 of 661,950 alleles (0.013%); highest among the groups gnomAD compares: East Asian, 0.22%; 1 homozygote.

Submission:

Illumina Laboratory Services, Illumina
Classification: Likely benign for Hereditary xanthinuria type 1. Last evaluated: 2018-01-13. Review status: criteria provided, single submitter. Criteria: ICSL Variant Classification Criteria 13 December 2019. Collection method: clinical testing. Allele origin: germline.
Comment: This variant was observed in the ICSL laboratory as part of a predisposition screen in an ostensibly healthy population. It had not been previously curated by ICSL or reported in the Human Gene Mutation Database (HGMD: prior to June 1st, 2018), and was therefore a candidate for classification through an automated scoring system. Utilizing variant allele frequency, disease prevalence and penetrance estimates, and inheritance mode, an automated score was calculated to assess if this variant is too frequent to cause the disease. Based on the score and internal cut-off values, a variant classified as likely benign is not then subjected to further curation. The score for this variant resulted in a classification of likely benign for this disease.